The following is an entry in ClinVar:

NM_000702.4(ATP1A2):c.375C>T (p.Asn125=)

Gene: ATP1A2 (ATPase Na+/K+ transporting subunit alpha 2; plus strand). Cytogenetic location: 1q23.2.
Variant type: single nucleotide variant.
Coding change: c.375C>T on transcript NM_000702.4 (MANE Select); coding-DNA position 375, C replaced by T.
Protein change: p.Asn125=; no amino-acid change (asparagine 125 retained).
Molecular consequence: synonymous variant.
Genome position (GRCh38, 1-based): chr1:160,123,410, C>T. VCF-style: chr1-160123410-C-T. GRCh37 (hg19) VCF-style: chr1-160093200-C-T.
Other names: c.375C>T (NM_000702.3).
Identifiers: ClinVar variation 1129090 (VCV001129090.10), dbSNP rs143906805, ClinGen allele CA1194161.

ClinVar aggregate classification (germline): Likely benign. Review status: criteria provided, multiple submitters, no conflicts (2 of 4 stars). 2 submissions from 2 submitters: Likely benign (2). Last evaluated 2025-11-15.

Conditions:
Familial hemiplegic migraine. Identifiers: MedGen C0338484, MONDO:0000700.
ATP1A2-related disorder. Also called: ATP1A2-related condition; ATP1A2-RELATED DISORDERS.

Allele frequency attached by ClinVar (database versions not stated): gnomAD 0.00001 and 0.00002; gnomAD exomes 0.00002 and 0.00003; ExAC 0.00004; ESP Exome Variant Server 0.00008.
gnomAD v4.1: 33 of 1,614,016 alleles (0.002%); highest among the groups gnomAD compares: South Asian, 0.016%; no homozygotes.

Submissions (2):

Labcorp Genetics (formerly Invitae), Labcorp
Classification: Likely benign for Familial hemiplegic migraine. Last evaluated: 2025-11-15. Review status: criteria provided, single submitter. Criteria: Invitae Variant Classification Sherloc (09022015). Collection method: clinical testing. Allele origin: germline.

PreventionGenetics, part of Exact Sciences
Classification: Likely benign for ATP1A2-related condition. Last evaluated: 2025-04-07. Review status: criteria provided, single submitter. Criteria: ACMG Guidelines, 2015. Collection method: clinical testing. Allele origin: germline.
Comment: This variant is classified as likely benign based on ACMG/AMP sequence variant interpretation guidelines (Richards et al. 2015 PMID: 25741868, with internal and published modifications).